The following is an entry in ClinVar:

NM_000179.3(MSH6):c.578T>A (p.Leu193Ter)

Gene: MSH6 (mutS homolog 6; plus strand). Cytogenetic location: 2p16.3.
Variant type: single nucleotide variant.
Coding change: c.578T>A on transcript NM_000179.3 (MANE Select); coding-DNA position 578, T replaced by A.
Protein change: p.Leu193Ter; replaces leucine 193 with a stop codon.
Molecular consequence: nonsense. On other transcripts: 5 prime UTR variant (2), non-coding transcript variant (5), intron variant (8).
Genome position (GRCh38, 1-based): chr2:47,796,014, T>A. VCF-style: chr2-47796014-T-A. GRCh37 (hg19) VCF-style: chr2-48023153-T-A.
Other names: c.-325T>A (NM_001281494.2); c.674T>A, p.Leu225Ter (NM_001406795.1, NM_001406802.1); c.578T>A, p.Leu193Ter (NM_001406796.1, NM_001406798.1, NM_001406800.1 and 5 more transcripts); c.281T>A, p.Leu94Ter (NM_001406797.1, NM_001406801.1, NM_001406805.1 and 10 more transcripts); c.53T>A, p.Leu18Ter (NM_001406799.1, NM_001406806.1, NM_001406807.1); c.500T>A, p.Leu167Ter (NM_001406804.1); c.584T>A, p.Leu195Ter (NM_001406813.1); c.-417T>A (NM_001406814.1); and 3 more; short protein forms L137*, L167*, L18*, L193*, L225*, L195*, L94*.
Identifiers: ClinVar variation 3641951 (VCV003641951.2).

ClinVar aggregate classification (germline): Pathogenic (1 of 4 stars; one submission).

Conditions:
Hereditary nonpolyposis colorectal neoplasms. Identifiers: MedGen C0009405, MeSH D003123.

Submission:

Labcorp Genetics (formerly Invitae), Labcorp
Classification: Pathogenic for Hereditary nonpolyposis colorectal neoplasms. Last evaluated: 2024-07-29. Review status: criteria provided, single submitter. Criteria: Invitae Variant Classification Sherloc (09022015). Collection method: clinical testing. Allele origin: germline.
Comment: This sequence change creates a premature translational stop signal (p.Leu193*) in the MSH6 gene. It is expected to result in an absent or disrupted protein product. Loss-of-function variants in MSH6 are known to be pathogenic (PMID: 18269114, 24362816). This variant is not present in population databases (gnomAD no frequency). This variant has not been reported in the literature in individuals affected with MSH6-related conditions. For these reasons, this variant has been classified as Pathogenic.

Literature cited by the submitters: PubMed 18269114; PubMed 24362816.